The following is an entry in ClinVar:

NM_199420.4(POLQ):c.6172A>C (p.Asn2058His)

Gene: POLQ (DNA polymerase theta; minus strand). Cytogenetic location: 3q13.33.
Variant type: single nucleotide variant.
Coding change: c.6172A>C on transcript NM_199420.4 (MANE Select); coding-DNA position 6172, A replaced by C.
Protein change: p.Asn2058His; replaces asparagine 2058 with histidine.
Molecular consequence: missense variant.
Genome position (GRCh38, 1-based): chr3:121,481,611, T>G on the plus strand (A>C on the coding strand, the complement: POLQ is on the minus strand). VCF-style: chr3-121481611-T-G. GRCh37 (hg19) VCF-style: chr3-121200458-T-G.
Other names: short protein forms N2058H.
Identifiers: ClinVar variation 1752012 (VCV001752012.3), dbSNP rs753786198, ClinGen allele CA2562550.

ClinVar aggregate classification (germline): Uncertain significance (1 of 4 stars; one submission).

Allele frequency attached by ClinVar (database versions not stated): ExAC 0.00001; gnomAD 0.00001; gnomAD exomes 0.00001.
gnomAD v4.1: 15 of 1,612,510 alleles (0.00093%); highest among the groups gnomAD compares: South Asian, 0.015%; no homozygotes.

Submission:

Ambry Genetics
Classification: Uncertain significance. Last evaluated: 2024-04-29. Review status: criteria provided, single submitter. Criteria: Ambry Variant Classification Scheme 2023. Collection method: clinical testing. Allele origin: germline.
Comment: The p.N2058H variant (also known as c.6172A>C), located in coding exon 19 of the POLQ gene, results from an A to C substitution at nucleotide position 6172. The asparagine at codon 2058 is replaced by histidine, an amino acid with similar properties. This amino acid position is conserved. In addition, this alteration is predicted to be tolerated by in silico analysis. Since supporting evidence is limited at this time, the clinical significance of this alteration remains unclear.